The following is an entry in ClinVar:

ClinVar aggregate classification (germline): Pathogenic (1 of 4 stars; one submission).

Conditions:
Developmental and epileptic encephalopathy 102. Identifiers: MedGen C5676991, MONDO:0030881, OMIM 619881.

Submission:

3billion
Classification: Pathogenic for Developmental and epileptic encephalopathy 102. Last evaluated: 2025-03-11. Review status: criteria provided, single submitter. Criteria: ACMG Guidelines, 2015. Collection method: clinical testing. Allele origin: germline. Affected: yes.
Comment: The variant is not observed in the gnomAD v4.1.0 dataset. Predicted Consequence/Location: Canonical splice site: predicted to alter splicing and result in a loss or disruption of normal protein function. Multiple pathogenic loss-of-function variants are reported downstream of the variant. The variant was homozygous. Therefore, this variant is classified as Pathogenic according to the recommendation of ACMG/AMP guideline.

NM_006841.6(SLC38A3):c.856_859del

Gene: SLC38A3 (solute carrier family 38 member 3; plus strand). Cytogenetic location: 3p21.31.
Variant type: Deletion.
Coding change: c.856_859del on transcript NM_006841.6 (MANE Select); coding-DNA positions 856 to 859, 4 bases deleted (ACAG; older notation c.856_859delACAG).
Molecular consequence: splice acceptor variant.
Genome position (GRCh38, 1-based): chr3:50,217,917-50,217,920, ACAG deleted; deleting any 4 consecutive bases within chr3:50,217,914-50,217,920 gives the same sequence; the c. name uses the placement nearest the transcript's 3' end. VCF-style (leftmost placement, unchanged base first): chr3-50217913-CCAGA-C. GRCh37 (hg19) VCF-style: chr3-50255345-CCAGA-C.
Identifiers: ClinVar variation 4292999 (VCV004292999.1).